The following is an entry in ClinVar:

NM_001369.3(DNAH5):c.12780_12781insCACAGATGTGTAT (p.Lys4261delinsHisArgCysValTer)

Gene: DNAH5 (dynein axonemal heavy chain 5; minus strand). Cytogenetic location: 5p15.2.
Variant type: Insertion.
Coding change: c.12780_12781insCACAGATGTGTAT on transcript NM_001369.3 (MANE Select); coding-DNA positions 12780 to 12781, CACAGATGTGTAT inserted.
Protein change: p.Lys4261delinsHisArgCysValTer.
Molecular consequence: nonsense.
Genome position: GRCh38 VCF-style: chr5-13716615-T-TATACACATCTGTG. GRCh37 (hg19) VCF-style: chr5-13716724-T-TATACACATCTGTG.
Identifiers: ClinVar variation 5016177 (VCV005016177.1).

ClinVar aggregate classification (germline): Pathogenic (1 of 4 stars; one submission).

Conditions:
Primary ciliary dyskinesia 3. Identifiers: Orphanet 244, MedGen C1837618, MONDO:0012085, OMIM 608644.

Submission:

Myriad Genetics, Inc.
Classification: Pathogenic for Primary ciliary dyskinesia 3. Last evaluated: 2024-05-14. Review status: criteria provided, single submitter. Criteria: Myriad Autosomal Dominant, Autosomal Recessive and X-Linked Classification Criteria (2023). Collection method: clinical testing. Allele origin: unknown.
Comment: NM_001369.2(DNAH5):c.12780_12781ins13(K4261Hfs*5) is expected to be pathogenic in the context of primary ciliary dyskinesia, DNAH5-related. This variant is predicted to lead to an abnormal or absent protein product due to the creation of a premature termination codon in DNAH5, a gene where loss-of-function variants are known to be pathogenic. Please note: this variant was assessed in the context of healthy population screening.